The following is an entry in ClinVar:

ClinVar aggregate classification (germline): Likely benign. Review status: criteria provided, multiple submitters, no conflicts (2 of 4 stars). 3 submissions from 3 submitters: Likely benign (3). Last evaluated 2023-02-14.

Allele frequency attached by ClinVar (database versions not stated): ExAC 0.00002; gnomAD 0.00003 and 0.00004; gnomAD exomes 0.00003; TOPMed 0.00003.
gnomAD v4.1: 44 of 1,612,854 alleles (0.0027%); highest among the groups gnomAD compares: Non-Finnish European, 0.0035%; no homozygotes.

Submissions (3):

Blueprint Genetics
Classification: Likely benign. Last evaluated: 2023-02-14. Review status: criteria provided, single submitter. Criteria: ACMG Guidelines, 2015. Collection method: clinical testing. Allele origin: germline.

CeGaT Center for Human Genetics Tuebingen
Classification: Likely benign. Last evaluated: 2022-07-01. Review status: criteria provided, single submitter. Criteria: CeGaT Center For Human Genetics Tuebingen Variant Classification Criteria Version 2. Collection method: clinical testing. Allele origin: germline. Affected: yes. Observed: 1 variant allele.
Comment: CRB2: BP4, BP7

Labcorp Genetics (formerly Invitae), Labcorp
Classification: Likely benign. Last evaluated: 2020-09-24. Review status: criteria provided, single submitter. Criteria: Invitae Variant Classification Sherloc (09022015). Collection method: clinical testing. Allele origin: germline.

NM_173689.7(CRB2):c.3459C>T (p.Gly1153=)

Gene: CRB2 (crumbs cell polarity complex component 2; plus strand). Cytogenetic location: 9q33.3.
Variant type: single nucleotide variant.
Coding change: c.3459C>T on transcript NM_173689.7 (MANE Select); coding-DNA position 3459, C replaced by T.
Protein change: p.Gly1153=; no amino-acid change (glycine 1153 retained).
Molecular consequence: synonymous variant. On other transcripts: non-coding transcript variant (1).
Genome position (GRCh38, 1-based): chr9:123,374,648, C>T. VCF-style: chr9-123374648-C-T. GRCh37 (hg19) VCF-style: chr9-126136927-C-T.
Identifiers: ClinVar variation 747049 (VCV000747049.33), dbSNP rs762741525, ClinGen allele CA5232485.